The following is an entry in ClinVar:

NM_015340.4(LARS2):c.1645G>A (p.Asp549Asn)

Genes: LARS2 (leucyl-tRNA synthetase 2, mitochondrial; plus strand), LARS2-AS1 (LARS2 antisense RNA 1; minus strand). Cytogenetic location: 3p21.31.
Variant type: single nucleotide variant.
Coding change: c.1645G>A on transcript NM_015340.4 (MANE Select); coding-DNA position 1645, G replaced by A.
Protein change: p.Asp549Asn; replaces aspartic acid 549 with asparagine.
Molecular consequence: missense variant.
Genome position (GRCh38, 1-based): chr3:45,500,464, G>A. VCF-style: chr3-45500464-G-A. GRCh37 (hg19) VCF-style: chr3-45541956-G-A.
Other names: c.1645G>A, p.Asp549Asn (NM_001368263.1); c.1645G>A (NM_015340.3); short protein forms D549N.
Identifiers: ClinVar variation 2064392 (VCV002064392.2), dbSNP rs367957046, ClinGen allele CA2349661.

ClinVar aggregate classification (germline): Uncertain significance. Review status: criteria provided, multiple submitters, no conflicts (2 of 4 stars). 2 submissions from 2 submitters: Uncertain significance (2). Last evaluated 2025-10-29.

Conditions:
Inborn genetic diseases. Identifiers: MedGen C0950123, MeSH D030342.

Allele frequency attached by ClinVar (database versions not stated): 1000 Genomes Project 30x 0.00078; 1000 Genomes Project 0.00100; gnomAD exomes 0.00005; TOPMed 0.00006; gnomAD 0.00011; ExAC 0.00008; ESP Exome Variant Server 0.00008.
gnomAD v4.1: 92 of 1,605,404 alleles (0.0057%); highest among the groups gnomAD compares: South Asian, 0.024%; no homozygotes.

Submissions (2):

Ambry Genetics
Classification: Uncertain significance for Inborn genetic diseases. Last evaluated: 2025-10-29. Review status: criteria provided, single submitter. Criteria: Ambry Variant Classification Scheme 2023. Collection method: clinical testing. Allele origin: germline.

Labcorp Genetics (formerly Invitae), Labcorp
Classification: Uncertain significance. Last evaluated: 2022-08-10. Review status: criteria provided, single submitter. Criteria: Invitae Variant Classification Sherloc (09022015). Collection method: clinical testing. Allele origin: germline.
Comment: This sequence change replaces aspartic acid, which is acidic and polar, with asparagine, which is neutral and polar, at codon 549 of the LARS2 protein (p.Asp549Asn). This variant is present in population databases (rs367957046, gnomAD 0.03%). This variant has not been reported in the literature in individuals affected with LARS2-related conditions. Algorithms developed to predict the effect of missense changes on protein structure and function output the following: SIFT: "Tolerated"; PolyPhen-2: "Benign"; Align-GVGD: "Class C0". The asparagine amino acid residue is found in multiple mammalian species, which suggests that this missense change does not adversely affect protein function. In summary, the available evidence is currently insufficient to determine the role of this variant in disease. Therefore, it has been classified as a Variant of Uncertain Significance.